The following is an entry in ClinVar:

ClinVar aggregate classification (germline): Uncertain significance (1 of 4 stars; one submission).

Submission:

Ambry Genetics
Classification: Uncertain significance. Last evaluated: 2025-05-27. Review status: criteria provided, single submitter. Criteria: Ambry Variant Classification Scheme 2023. Collection method: clinical testing. Allele origin: germline.
Comment: The p.T78S variant (also known as c.233C>G), located in coding exon 3 of the STAP1 gene, results from a C to G substitution at nucleotide position 233. The threonine at codon 78 is replaced by serine, an amino acid with similar properties. This amino acid position is conserved. In addition, this alteration is predicted to be tolerated by in silico analysis. Based on the available evidence, the clinical significance of this variant remains unclear.

NM_012108.4(STAP1):c.233C>G (p.Thr78Ser)

Genes: STAP1 (signal transducing adaptor family member 1; plus strand), LOC123477751 (Sharpr-MPRA regulatory region 12077; plus strand). Cytogenetic location: 4q13.2.
Variant type: single nucleotide variant.
Coding change: c.233C>G on transcript NM_012108.4 (MANE Select); coding-DNA position 233, C replaced by G.
Protein change: p.Thr78Ser; replaces threonine 78 with serine.
Molecular consequence: missense variant.
Genome position (GRCh38, 1-based): chr4:67,575,425, C>G. VCF-style: chr4-67575425-C-G. GRCh37 (hg19) VCF-style: chr4-68441143-C-G.
Other names: c.233C>G, p.Thr78Ser (NM_001317769.2); short protein forms T78S.
Identifiers: ClinVar variation 3962929 (VCV003962929.1).